The following is an entry in ClinVar:

NM_001267550.2(TTN):c.90466A>G (p.Lys30156Glu)

Genes: TTN (titin; minus strand), TTN-AS1 (TTN antisense RNA 1; plus strand). Cytogenetic location: 2q31.2.
Variant type: single nucleotide variant.
Coding change: c.90466A>G on transcript NM_001267550.2 (MANE Select); coding-DNA position 90466, A replaced by G.
Protein change: p.Lys30156Glu; replaces lysine 30156 with glutamic acid.
Molecular consequence: missense variant.
Genome position (GRCh38, 1-based): chr2:178,552,434, T>C on the plus strand (A>G on the coding strand, the complement: TTN is on the minus strand). VCF-style: chr2-178552434-T-C. GRCh37 (hg19) VCF-style: chr2-179417161-T-C.
Other names: c.85543A>G, p.Lys28515Glu (NM_001256850.1); c.63271A>G, p.Lys21091Glu (NM_003319.4); c.82762A>G, p.Lys27588Glu (NM_133378.4); c.63646A>G, p.Lys21216Glu (NM_133432.3); c.63847A>G, p.Lys21283Glu (NM_133437.4); short protein forms K21091E, K21216E, K21283E, K27588E, K28515E, K30156E.
Identifiers: ClinVar variation 4685593 (VCV004685593.1).

ClinVar aggregate classification (germline): Uncertain significance (1 of 4 stars; one submission).

gnomAD v4.1: 2 of 1,601,730 alleles (0.00012%); highest among the groups gnomAD compares: Non-Finnish European, 0.00017%; no homozygotes.

Submission:

ARUP Laboratories, Molecular Genetics and Genomics, ARUP Laboratories
Classification: Uncertain significance. Last evaluated: 2025-01-29. Review status: criteria provided, single submitter. Criteria: ARUP Molecular Germline Variant Investigation Process 2024. Collection method: clinical testing. Allele origin: germline.
Comment: The TTN c.90466A>G; p.Lys30156Glu variant (rs762340648) is rare in the general population (<0.2% allele frequency in the Genome Aggregation Database) and has not been reported in the medical literature in association with dilated cardiomyopathy (DCM) or other TTN-related disease. The clinical relevance of rare missense variants in this gene, which are identified on average once per individual sequenced in affected populations (Herman 2012), is not well understood. Yet, evidence suggests that the vast majority of such missense variants do not contribute to the clinical outcome of DCM (Begay 2015). Thus, the clinical significance of the p.Lys30156Glu variant cannot be determined with certainty." References: Begay RL et al. Role of Titin Missense Variants in Dilated Cardiomyopathy. J Am Heart Assoc. 2015 Nov 13;4(11). PMID: 26567375. Herman DS et al. Truncations of titin causing dilated cardiomyopathy. N Engl J Med. 2012 Feb 16;366(7):619-28. PMID: 22335739.